The following is an entry in ClinVar:

ClinVar aggregate classification (germline): Uncertain significance (1 of 4 stars; one submission).

Conditions:
SEMA3A-related disorder. Also called: SEMA3A-related condition.

Submission:

PreventionGenetics, part of Exact Sciences
Classification: Uncertain significance for SEMA3A-related condition. Last evaluated: 2026-09-01. Review status: criteria provided, single submitter. Criteria: ACMG Guidelines, 2015. Collection method: clinical testing. Allele origin: germline.
Comment: The SEMA3A c.1237G>A variant is predicted to result in the amino acid substitution p.Val413Met. To our knowledge, this variant has not been reported in the literature or in a large population database (gnomAD), indicating this variant is rare. At this time, the clinical significance of this variant is uncertain due to the absence of conclusive functional and genetic evidence.

NM_006080.3(SEMA3A):c.1237G>A (p.Val413Met)

Gene: SEMA3A (semaphorin 3A; minus strand). Cytogenetic location: 7q21.11.
Variant type: single nucleotide variant.
Coding change: c.1237G>A on transcript NM_006080.3 (MANE Select); coding-DNA position 1237, G replaced by A.
Protein change: p.Val413Met; replaces valine 413 with methionine.
Molecular consequence: missense variant.
Genome position (GRCh38, 1-based): chr7:84,005,462, C>T on the plus strand (G>A on the coding strand, the complement: SEMA3A is on the minus strand). VCF-style: chr7-84005462-C-T. GRCh37 (hg19) VCF-style: chr7-83634778-C-T.
Other names: short protein forms V413M.
Identifiers: ClinVar variation 4994312 (VCV004994312.1).